The following is an entry in ClinVar:

ClinVar aggregate classification (germline): Uncertain significance (1 of 4 stars; one submission).

Conditions:
Epileptic encephalopathy. Identifiers: MedGen C0543888, HP:0200134.

gnomAD v4.1: 13 of 1,612,962 alleles (0.00081%); highest among the groups gnomAD compares: African/African-American, 0.0013%; no homozygotes.

Submission:

Labcorp Genetics (formerly Invitae), Labcorp
Classification: Uncertain significance for Epileptic encephalopathy. Last evaluated: 2024-03-07. Review status: criteria provided, single submitter. Criteria: Invitae Variant Classification Sherloc (09022015). Collection method: clinical testing. Allele origin: germline.
Comment: This sequence change replaces glycine, which is neutral and non-polar, with aspartic acid, which is acidic and polar, at codon 2441 of the FASN protein (p.Gly2441Asp). This variant is present in population databases (rs780276452, gnomAD 0.004%). This variant has not been reported in the literature in individuals affected with FASN-related conditions. An algorithm developed to predict the effect of missense changes on protein structure and function (PolyPhen-2) suggests that this variant is likely to be disruptive. In summary, the available evidence is currently insufficient to determine the role of this variant in disease. Therefore, it has been classified as a Variant of Uncertain Significance.

NM_004104.5(FASN):c.7322G>A (p.Gly2441Asp)

Genes: FASN (fatty acid synthase; minus strand), LOC129390948 (MPRA-validated peak3028 silencer; plus strand). Cytogenetic location: 17q25.3.
Variant type: single nucleotide variant.
Coding change: c.7322G>A on transcript NM_004104.5 (MANE Select); coding-DNA position 7322, G replaced by A.
Protein change: p.Gly2441Asp; replaces glycine 2441 with aspartic acid.
Molecular consequence: missense variant.
Genome position (GRCh38, 1-based): chr17:82,079,433, C>T on the plus strand (G>A on the coding strand, the complement: FASN is on the minus strand). VCF-style: chr17-82079433-C-T. GRCh37 (hg19) VCF-style: chr17-80037309-C-T.
Other names: short protein forms G2441D.
Identifiers: ClinVar variation 3676291 (VCV003676291.2).
Genomic context (GRCh38, chr17:82,079,433, plus strand): 5'-TCCGCGCCCAGGTCCTCGCCGTAGGCGCCACCCGTCTTGGCGCGCAGTAGCATCACGTTG[C>T]CATGGTACTTGGCCTTGGGTGTGTACTGCTCAGCGGCACGCAGCTTGTAGTAGAAGGACC-3'
Protein context (NP_004095.4, residues 2431-2451): EQYTPKAKYH[Gly2441Asp]NVMLLRAKTG